The following is an entry in ClinVar:

NM_000245.4(MET):c.3749T>C (p.Met1250Thr)

Gene: MET (MET proto-oncogene, receptor tyrosine kinase; plus strand). Cytogenetic location: 7q31.2.
Variant type: single nucleotide variant.
Coding change: c.3749T>C on transcript NM_000245.4 (MANE Select); coding-DNA position 3749, T replaced by C.
Protein change: p.Met1250Thr; replaces methionine 1250 with threonine.
Molecular consequence: missense variant.
Genome position (GRCh38, 1-based): chr7:116,783,420, T>C. VCF-style: chr7-116783420-T-C. GRCh37 (hg19) VCF-style: chr7-116423474-T-C.
Other names: c.3803T>C, p.Met1268Thr (NM_001127500.3); c.2459T>C, p.Met820Thr (NM_001324402.2); c.3803T>C (NM_001127500.1); short protein forms M1268T, M1250T, M820T.
Identifiers: ClinVar variation 376126 (VCV000376126.4), dbSNP rs121913245, ClinGen allele CA16602584.

ClinVar aggregate classification (germline): Likely pathogenic (1 of 4 stars; one submission).
ClinVar aggregate classification (somatic clinical impact): Tier II - Potential (1 of 4 stars; one submission).

Conditions:
Hereditary cancer-predisposing syndrome. Also called: Hereditary neoplastic syndrome; Hereditary Cancer Syndrome; Neoplastic Syndromes, Hereditary; Tumor predisposition. Identifiers: Orphanet 140162, MedGen C0027672, MeSH D009386, MONDO:0015356.
Embryonal rhabdomyosarcoma (ERMS). Also called: Botryoid rhabdomyosarcoma (type of ERMS); Spindle cell rhabdomyosarcomas (type of ERMS). Identifiers: Orphanet 99757, MedGen C0206656, MONDO:0009993, HP:0006743.

Allele frequency attached by ClinVar (database versions not stated): gnomAD exomes below 0.00001.

Submissions (2):

Institute for Genomic Medicine (IGM) Clinical Laboratory, Nationwide Children's Hospital
Classification: Tier II - Potential for Embryonal rhabdomyosarcoma. Assertion type: diagnostic. Clinical significance: supports diagnosis. Last evaluated: 2024-05-17. Review status: criteria provided, single submitter. Criteria: AMP/ASCO/CAP Guidelines, 2017. Collection method: clinical testing. Allele origin: somatic. Affected: yes.
Comment: Variant has Tier II (potential) clinical significance as a diagnostic inclusion criterion in embryonal rhabdomyosarcoma, based on the following evidence: 1) Documented in one or more cancer databases (e.g., St. Jude Pecan, COSMIC, CIViC, OncoKB). 2) Information in the literature supports potential biologic effect of variant (PMIDs: 9826715, 10871851). 3) Diagnostic significance based on multiple small studies (Evidence Level C; PMIDs: 24436047, 34166060).

Ambry Genetics
Classification: Likely pathogenic for Hereditary cancer-predisposing syndrome. Last evaluated: 2024-02-28. Review status: criteria provided, single submitter. Criteria: Ambry Variant Classification Scheme 2023. Collection method: clinical testing. Allele origin: germline.
Comment: The p.M1268T variant (also known as c.3803T>C), located in coding exon 18 of the MET gene, results from a T to C substitution at nucleotide position 3803. The methionine at codon 1268 is replaced by threonine, an amino acid with similar properties. This variant has shown constitutive kinase activity in multiple functional studies and renders MET more sensitive to MET inhibitors (Jeffers M et al. Proc Natl Acad Sci U S A, 1997 Oct;94:11445-50; Bardelli A et al. Proc Natl Acad Sci U S A, 1998 Nov;95:14379-83; Medov&aacute; M et al. Int J Cancer, 2012 Feb;130:728-34). Cells expressing M1268T showed its accumulation in intracellular vesicles at higher levels than wild type MET; this was associated with increasing tumorgenicity (Joffre C et al. Nat Cell Biol, 2011 Jun;13:827-37). Based on internal structural analysis, M1268T disrupts a key position in the kinase P+1 loop which plays a role in substrate recognition (Xu W et al. Nature, 1997 Feb;385:595-602; Schmidt L et al. Oncogene, 1999 Apr;18:2343-50; Miller M et al. Proteins, 2001 Jul;44:32-43; Yuan ZL et al. Mol Cell Biol, 2004 Nov;24:9390-400; Yuan H et al. Eur J Med Chem, 2018 Jan;143:491-502). This amino acid position is highly conserved in available vertebrate species. In addition, this alteration is predicted to be deleterious by in silico analysis. This variant is considered to be rare based on population cohorts in the Genome Aggregation Database (gnomAD). Based on the majority of available evidence to date, this variant is likely to be pathogenic.

Literature cited by the submitters: PubMed 9826715 (cited by Institute for Genomic Medicine (IGM) Clinical Laboratory, Nationwide Children's Hospital); PubMed 10871851 (cited by Institute for Genomic Medicine (IGM) Clinical Laboratory, Nationwide Children's Hospital); PubMed 24436047 (cited by Institute for Genomic Medicine (IGM) Clinical Laboratory, Nationwide Children's Hospital); PubMed 34166060 (cited by Institute for Genomic Medicine (IGM) Clinical Laboratory, Nationwide Children's Hospital); PubMed 10327054 (cited by Ambry Genetics); PubMed 10433944 (cited by Ambry Genetics); PubMed 11354004 (cited by Ambry Genetics); PubMed 15485908 (cited by Ambry Genetics); PubMed 21400509 (cited by Ambry Genetics); PubMed 21642981 (cited by Ambry Genetics); PubMed 29202410 (cited by Ambry Genetics); PubMed 9024657 (cited by Ambry Genetics); PubMed 9326629 (cited by Ambry Genetics); PubMed 9826708 (cited by Ambry Genetics).